The following is an entry in ClinVar:

NM_006496.4(GNAI3):c.592A>T (p.Met198Leu)

Gene: GNAI3 (G protein subunit alpha i3; plus strand). Cytogenetic location: 1p13.3.
Variant type: single nucleotide variant.
Coding change: c.592A>T on transcript NM_006496.4 (MANE Select); coding-DNA position 592, A replaced by T.
Protein change: p.Met198Leu; replaces methionine 198 with leucine.
Molecular consequence: missense variant.
Genome position (GRCh38, 1-based): chr1:109,586,217, A>T. VCF-style: chr1-109586217-A-T. GRCh37 (hg19) VCF-style: chr1-110128839-A-T.
Other names: short protein forms M198L.
Identifiers: ClinVar variation 4762083 (VCV004762083.1).

ClinVar aggregate classification (germline): Uncertain significance (1 of 4 stars; one submission).

Submission:

Labcorp Genetics (formerly Invitae), Labcorp
Classification: Uncertain significance. Last evaluated: 2025-07-20. Review status: criteria provided, single submitter. Criteria: Invitae Variant Classification Sherloc (09022015). Collection method: clinical testing. Allele origin: germline.
Comment: This sequence change replaces methionine, which is neutral and non-polar, with leucine, which is neutral and non-polar, at codon 198 of the GNAI3 protein (p.Met198Leu). This variant is present in population databases (rs767569679, gnomAD 0.0009%). This variant has not been reported in the literature in individuals affected with GNAI3-related conditions. An algorithm developed to predict the effect of missense changes on protein structure and function (PolyPhen-2) suggests that this variant is likely to be tolerated. In summary, the available evidence is currently insufficient to determine the role of this variant in disease. Therefore, it has been classified as a Variant of Uncertain Significance.